The following is an entry in ClinVar:

ClinVar aggregate classification (germline): Conflicting classifications of pathogenicity. Review status: criteria provided, conflicting classifications (1 of 4 stars). 4 submissions from 4 submitters: Pathogenic (2); Uncertain significance (1). 1 of the submissions does not count toward it. Last evaluated 2025-05-21.

Conditions:
ACTG1-related disorder. Also called: ACTG1-related disorders; ACTG1-related condition.
Autosomal dominant nonsyndromic hearing loss 20. Identifiers: Orphanet 90635, MedGen C1858172, MONDO:0011480, OMIM 604717.
Baraitser-winter syndrome 2. Identifiers: Orphanet 2995, MedGen C3281235, MONDO:0013812, OMIM 614583.

Submissions (4):

Labcorp Genetics (formerly Invitae), Labcorp
Classification: Pathogenic for Baraitser-winter syndrome 2; Autosomal dominant nonsyndromic hearing loss 20. Last evaluated: 2025-05-21. Review status: criteria provided, single submitter. Criteria: Invitae Variant Classification Sherloc (09022015). Collection method: clinical testing. Allele origin: germline.
Comment: This sequence change replaces threonine, which is neutral and polar, with isoleucine, which is neutral and non-polar, at codon 278 of the ACTG1 protein (p.Thr278Ile). This variant is not present in population databases (gnomAD no frequency). This missense change has been observed in individual(s) with deafness (PMID: 14684684). It has also been observed to segregate with disease in related individuals. ClinVar contains an entry for this variant (Variation ID: 18319). Invitae Evidence Modeling of protein sequence and biophysical properties (such as structural, functional, and spatial information, amino acid conservation, physicochemical variation, residue mobility, and thermodynamic stability) indicates that this missense variant is not expected to disrupt ACTG1 protein function with a negative predictive value of 80%. Experimental studies have shown that this missense change affects ACTG1 function (PMID: 19419963). For these reasons, this variant has been classified as Pathogenic.

Department of Pathology and Laboratory Medicine, Sinai Health System
Classification: Uncertain significance for Baraitser-winter syndrome 2. Last evaluated: 2022-11-14. Review status: criteria provided, single submitter. Criteria: ACMG Guidelines, 2015. Collection method: research. Allele origin: germline.

Blueprint Genetics
Classification: Pathogenic for ACTG1-related disorders. Last evaluated: 2020-08-31. Review status: criteria provided, single submitter. Criteria: ACMG Guidelines, 2015. Collection method: clinical testing. Allele origin: germline. Affected: yes. Observed: 1 variant allele.

OMIM
Classification: Pathogenic for DEAFNESS, AUTOSOMAL DOMINANT 20. Last evaluated: 2003-12-01. Review status: no assertion criteria provided. Collection method: literature only. Allele origin: germline. Not counted in ClinVar's aggregate classification.

Literature cited by the submitters: PubMed 14684684 (cited by Labcorp Genetics (formerly Invitae), Labcorp and OMIM); PubMed 19419963 (cited by Labcorp Genetics (formerly Invitae), Labcorp).

NM_001614.5(ACTG1):c.833C>T (p.Thr278Ile)

Gene: ACTG1 (actin gamma 1; minus strand). Cytogenetic location: 17q25.3.
Variant type: single nucleotide variant.
Coding change: c.833C>T on transcript NM_001614.5 (MANE Select); coding-DNA position 833, C replaced by T.
Protein change: p.Thr278Ile; replaces threonine 278 with isoleucine.
Molecular consequence: missense variant. On other transcripts: non-coding transcript variant (1).
Genome position (GRCh38, 1-based): chr17:81,511,078, G>A on the plus strand (C>T on the coding strand, the complement: ACTG1 is on the minus strand). VCF-style: chr17-81511078-G-A. GRCh37 (hg19) VCF-style: chr17-79478104-G-A.
Other names: c.833C>T, p.Thr278Ile (NM_001199954.3); short protein forms T278I.
Identifiers: ClinVar variation 18319 (VCV000018319.8), dbSNP rs28999112, ClinGen allele CA258162.